The following is an entry in ClinVar:

Conditions:
Arteriohepatic dysplasia. Also called: Alagille Syndrome. Identifiers: Orphanet 52, MedGen C0085280, MeSH D016738, MONDO:0007318.

Submission:

Gilbert/Spinner Lab, Children's Hospital of Philadelphia
No classification provided (evidence only). Condition: Alagille syndrome. Review status: no classification provided. Collection method: research. Allele origin: not applicable. Functional consequence: functionally_abnormal.
ClinVar note: "not provided" was previously submitted as the classification for the variant. However, the classification appeared to be based only on an observation of functional data so it was converted to no classification on 2025-07-30.

NM_000214.3(JAG1):c.899G>C (p.Cys300Ser)

Gene: JAG1 (jagged canonical Notch ligand 1; minus strand). Cytogenetic location: 20p12.2.
Variant type: single nucleotide variant.
Coding change: c.899G>C on transcript NM_000214.3 (MANE Select); coding-DNA position 899, G replaced by C.
Protein change: p.Cys300Ser; replaces cysteine 300 with serine.
Molecular consequence: missense variant.
Genome position (GRCh38, 1-based): chr20:10,652,238, C>G on the plus strand (G>C on the coding strand, the complement: JAG1 is on the minus strand). VCF-style: chr20-10652238-C-G. GRCh37 (hg19) VCF-style: chr20-10632886-C-G.
Other names: short protein forms C300S.
Identifiers: ClinVar variation 3573172 (VCV003573172.2).